The following is an entry in ClinVar:

ClinVar aggregate classification (germline): Uncertain significance (1 of 4 stars; one submission).

Submission:

Labcorp Genetics (formerly Invitae), Labcorp
Classification: Uncertain significance. Last evaluated: 2025-07-31. Review status: criteria provided, single submitter. Criteria: Invitae Variant Classification Sherloc (09022015). Collection method: clinical testing. Allele origin: germline.
Comment: This sequence change replaces isoleucine, which is neutral and non-polar, with threonine, which is neutral and polar, at codon 1338 of the NEXMIF protein (p.Ile1338Thr). This variant is not present in population databases (gnomAD no frequency). This variant has not been reported in the literature in individuals affected with NEXMIF-related conditions. An algorithm developed to predict the effect of missense changes on protein structure and function (PolyPhen-2) suggests that this variant is likely to be tolerated. In summary, the available evidence is currently insufficient to determine the role of this variant in disease. Therefore, it has been classified as a Variant of Uncertain Significance.

NM_001008537.3(NEXMIF):c.4013T>C (p.Ile1338Thr)

Gene: NEXMIF (neurite extension and migration factor; minus strand). Cytogenetic location: Xq13.3.
Variant type: single nucleotide variant.
Coding change: c.4013T>C on transcript NM_001008537.3 (MANE Select); coding-DNA position 4013, T replaced by C.
Protein change: p.Ile1338Thr; replaces isoleucine 1338 with threonine.
Molecular consequence: missense variant.
Genome position (GRCh38, 1-based): chrX:74,740,544, A>G on the plus strand (T>C on the coding strand, the complement: NEXMIF is on the minus strand). VCF-style: chrX-74740544-A-G. GRCh37 (hg19) VCF-style: chrX-73960379-A-G.
Other names: short protein forms I1338T.
Identifiers: ClinVar variation 4696247 (VCV004696247.1).